The following is an entry in ClinVar:

ClinVar aggregate classification (germline): Conflicting classifications of pathogenicity. Review status: criteria provided, conflicting classifications (1 of 4 stars). 2 submissions from 2 submitters: Uncertain significance (1); Likely benign (1). Last evaluated 2025-08-17.

Conditions:
Mitochondrial complex II deficiency, nuclear type 1. Also called: SUCCINATE CoQ REDUCTASE DEFICIENCY. Identifiers: Orphanet 3208, MedGen C5700310, MONDO:0100294, OMIM 252011.
Pheochromocytoma/paraganglioma syndrome 5. Also called: Paragangliomas 5; SDHA-Related Hereditary Paraganglioma-Pheochromocytoma Syndrome. Identifiers: Orphanet 29072, MedGen C3279992, MONDO:0013602, OMIM 614165.
Hereditary cancer-predisposing syndrome. Also called: Hereditary Cancer Syndrome; Hereditary neoplastic syndrome; Neoplastic Syndromes, Hereditary; Tumor predisposition. Identifiers: Orphanet 140162, MedGen C0027672, MeSH D009386, MONDO:0015356.

Allele frequency attached by ClinVar (database versions not stated): gnomAD exomes below 0.00001 and 0.00001; TOPMed below 0.00001; ExAC 0.00002.

Submissions (2):

Labcorp Genetics (formerly Invitae), Labcorp
Classification: Likely benign for Pheochromocytoma/paraganglioma syndrome 5; Mitochondrial complex II deficiency, nuclear type 1. Last evaluated: 2025-08-17. Review status: criteria provided, single submitter. Criteria: Invitae Variant Classification Sherloc (09022015). Collection method: clinical testing. Allele origin: germline.

Ambry Genetics
Classification: Uncertain significance for Hereditary cancer-predisposing syndrome. Last evaluated: 2025-04-28. Review status: criteria provided, single submitter. Criteria: Ambry Variant Classification Scheme 2023. Collection method: clinical testing. Allele origin: germline.
Comment: The c.64-3C>T intronic variant results from a C to T substitution 3 nucleotides upstream from coding exon 2 in the SDHA gene. This nucleotide position is well conserved in available vertebrate species. In silico splice site analysis predicts that this alteration will not have any significant effect on splicing. Based on the available evidence, the clinical significance of this alteration remains unclear.

NM_004168.4(SDHA):c.64-3C>T

Gene: SDHA (succinate dehydrogenase complex flavoprotein subunit A; plus strand). Cytogenetic location: 5p15.33.
Variant type: single nucleotide variant.
Coding change: c.64-3C>T on transcript NM_004168.4 (MANE Select); 3 bases into the intron before coding-DNA position 64, C replaced by T.
Molecular consequence: intron variant.
Genome position (GRCh38, 1-based): chr5:223,479, C>T. VCF-style: chr5-223479-C-T. GRCh37 (hg19) VCF-style: chr5-223594-C-T.
Other names: c.64-3C>T (NM_001330758.2, NM_001294332.2).
Identifiers: ClinVar variation 229704 (VCV000229704.16), dbSNP rs772607568, ClinGen allele CA3172711.
Genomic context (GRCh38, chr5:223,479, plus strand): 5'-CCCCCACAGCATTTGTTCCTTCAGGACACTAACCCTCTGGATCTGTGTCTTCTGTGTCTC[C>T]AGTGGCCAACAGTGTTGCAAACAGGAACCCGAGGTTTTCACTTCACTGTTGATGGGAACA-3'